The following is an entry in ClinVar:

NM_015991.4(C1QA):c.113G>A (p.Arg38Lys)

Gene: C1QA (complement C1q A chain; plus strand). Cytogenetic location: 1p36.12.
Variant type: single nucleotide variant.
Coding change: c.113G>A on transcript NM_015991.4 (MANE Select); coding-DNA position 113, G replaced by A.
Protein change: p.Arg38Lys; replaces arginine 38 with lysine.
Molecular consequence: missense variant.
Genome position (GRCh38, 1-based): chr1:22,637,729, G>A. VCF-style: chr1-22637729-G-A. GRCh37 (hg19) VCF-style: chr1-22964222-G-A.
Other names: c.113G>A, p.Arg38Lys (NM_001347465.2, NM_001347466.2); short protein forms R38K.
Identifiers: ClinVar variation 1063295 (VCV001063295.9), dbSNP rs766993678, ClinGen allele CA19170849.

ClinVar aggregate classification (germline): Conflicting classifications of pathogenicity. Review status: criteria provided, conflicting classifications (1 of 4 stars). 4 submissions from 4 submitters: Uncertain significance (3); Likely benign (1). Last evaluated 2024-06-21.

Allele frequency attached by ClinVar (database versions not stated): gnomAD 0.00001; TOPMed 0.00001.
gnomAD v4.1: 14 of 1,611,230 alleles (0.00087%); highest among the groups gnomAD compares: Middle Eastern, 0.17%; 1 homozygote.

Submissions (4):

Blueprint Genetics
Classification: Likely benign. Last evaluated: 2024-06-21. Review status: criteria provided, single submitter. Criteria: ACMG Guidelines, 2015. Collection method: clinical testing. Allele origin: germline.

GeneDx
Classification: Uncertain significance. Last evaluated: 2022-03-18. Review status: criteria provided, single submitter. Criteria: GeneDx Variant Classification Process June 2021. Collection method: clinical testing. Allele origin: germline. Affected: yes.
Comment: Not observed at significant frequency in large population cohorts (gnomAD); In silico analysis supports that this missense variant does not alter protein structure/function; Has not been previously published as pathogenic or benign to our knowledge

Labcorp Genetics (formerly Invitae), Labcorp
Classification: Uncertain significance. Last evaluated: 2021-09-01. Review status: criteria provided, single submitter. Criteria: Invitae Variant Classification Sherloc (09022015). Collection method: clinical testing. Allele origin: germline.
Comment: This sequence change replaces arginine with lysine at codon 38 of the C1QA protein (p.Arg38Lys). The arginine residue is weakly conserved and there is a small physicochemical difference between arginine and lysine. This variant is not present in population databases (ExAC no frequency). This variant has not been reported in the literature in individuals affected with C1QA-related conditions. Algorithms developed to predict the effect of missense changes on protein structure and function output the following: SIFT: "Tolerated"; PolyPhen-2: "Benign"; Align-GVGD: "Class C0". The lysine amino acid residue is found in multiple mammalian species, which suggests that this missense change does not adversely affect protein function. In summary, the available evidence is currently insufficient to determine the role of this variant in disease. Therefore, it has been classified as a Variant of Uncertain Significance.

Breakthrough Genomics
Classification: Uncertain significance. Review status: criteria provided, single submitter. Criteria: ACMG Guidelines, 2015. Collection method: not provided. Allele origin: germline. Inheritance: Autosomal recessive inheritance. Affected: yes.